The following is an entry in ClinVar:

NM_005732.4(RAD50):c.1405G>T (p.Gly469Ter)

Gene: RAD50 (RAD50 double strand break repair protein; plus strand). Cytogenetic location: 5q31.1.
Variant type: single nucleotide variant.
Coding change: c.1405G>T on transcript NM_005732.4 (MANE Select); coding-DNA position 1405, G replaced by T.
Protein change: p.Gly469Ter; replaces glycine 469 with a stop codon.
Molecular consequence: nonsense.
Genome position (GRCh38, 1-based): chr5:132,589,790, G>T. VCF-style: chr5-132589790-G-T. GRCh37 (hg19) VCF-style: chr5-131925482-G-T.
Other names: short protein forms G469*.
Identifiers: ClinVar variation 620499 (VCV000620499.1), dbSNP rs1561640129, ClinGen allele CA360944723.
Genomic context (GRCh38, chr5:132,589,790, plus strand): 5'-ATCCTAAGTAAGAAGCAGAATGAGCTGAAAAATGTGAAGTATGAATTACAGCAGTTGGAA[G>T]GATCTTCAGACAGGATTCTTGAACTGGACCAGGAGCTCATAAAAGCTGTAAGATATTGTT-3'

ClinVar aggregate classification (germline): Likely pathogenic (1 of 4 stars; one submission).

Submission:

GeneDx
Classification: Likely pathogenic. Last evaluated: 2018-12-03. Review status: criteria provided, single submitter. Criteria: GeneDx Variant Classification (06012015). Collection method: clinical testing. Allele origin: germline. Affected: yes.
Comment: The G469X variant in the RAD50 gene has not been reported previously as a pathogenic variant nor as a benign variant, to our knowledge. This variant is predicted to cause loss of normal protein function either through protein truncation or nonsense-mediated mRNA decay. The G469X variant is not observed in large population cohorts (Lek et al., 2016). We interpret G469X as a likely pathogenic variant.